The following is an entry in ClinVar:

ClinVar aggregate classification (germline): Benign/Likely benign. Review status: criteria provided, multiple submitters, no conflicts (2 of 4 stars). 5 submissions from 5 submitters: Benign (1); Likely benign (3). 1 of the submissions does not count toward it. Last evaluated 2025-06-09.

Conditions:
TSC2-related disorder. Also called: TSC2-Related Disorders; TSC2-related condition.
Tuberous sclerosis syndrome (TSC). Also called: Tuberous Sclerosis Complex; Tuberous sclerosis. Identifiers: Orphanet 805, MedGen C0041341, MONDO:0001734.
Tuberous sclerosis 2 (TSC2). Identifiers: Orphanet 805, MedGen C1860707, MONDO:0013199, OMIM 613254.
Hereditary cancer-predisposing syndrome. Also called: Neoplastic Syndromes, Hereditary; Hereditary neoplastic syndrome; Tumor predisposition; Hereditary Cancer Syndrome. Identifiers: Orphanet 140162, MedGen C0027672, MeSH D009386, MONDO:0015356.

Allele frequency attached by ClinVar (database versions not stated): gnomAD exomes 0.00001; ExAC 0.00002.
gnomAD v4.1: 10 of 1,602,266 alleles (0.00062%); highest among the groups gnomAD compares: Non-Finnish European, 0.00085%; no homozygotes.

Submissions (5):

Myriad Genetics, Inc.
Classification: Benign for Tuberous sclerosis 2. Last evaluated: 2025-06-09. Review status: criteria provided, single submitter. Criteria: Myriad Autosomal Dominant, Autosomal Recessive and X-Linked Classification Criteria (2023). Collection method: clinical testing. Allele origin: unknown.
Comment: This variant is considered benign. This variant is a silent/synonymous amino acid change and it is not expected to impact splicing.

Labcorp Genetics (formerly Invitae), Labcorp
Classification: Likely benign for Tuberous sclerosis 2. Last evaluated: 2024-11-12. Review status: criteria provided, single submitter. Criteria: Invitae Variant Classification Sherloc (09022015). Collection method: clinical testing. Allele origin: germline.

All of Us Research Program, National Institutes of Health
Classification: Likely benign for Tuberous sclerosis syndrome. Last evaluated: 2023-02-24. Review status: criteria provided, single submitter. Criteria: ACMG Guidelines, 2015. Collection method: clinical testing. Allele origin: germline. Inheritance: Autosomal dominant inheritance. Observed: 1 variant allele, 1 heterozygote.
Comment: This study involves interpretation of variants in research participants for the purpose of population health screening. Participant phenotype was not available at the time of variant classification. Additional details can be found in publication PMID: 35346344, PMCID: PMC8962531

Ambry Genetics
Classification: Likely benign for Hereditary cancer-predisposing syndrome. Last evaluated: 2021-06-08. Review status: criteria provided, single submitter. Criteria: Ambry Variant Classification Scheme 2023. Collection method: clinical testing. Allele origin: germline.

PreventionGenetics, part of Exact Sciences
Classification: Likely benign for TSC2-related condition. Last evaluated: 2024-05-21. Review status: no assertion criteria provided. Collection method: clinical testing. Allele origin: germline. Not counted in ClinVar's aggregate classification.
Comment: This variant is classified as likely benign based on ACMG/AMP sequence variant interpretation guidelines (Richards et al. 2015 PMID: 25741868, with internal and published modifications).

NM_000548.5(TSC2):c.5423G>A (p.Ter1808=)

Gene: TSC2 (TSC complex subunit 2; plus strand). Cytogenetic location: 16p13.3.
Variant type: single nucleotide variant.
Coding change: c.5423G>A on transcript NM_000548.5 (MANE Select); coding-DNA position 5423, G replaced by A.
Protein change: p.Ter1808=.
Molecular consequence: synonymous variant.
Genome position (GRCh38, 1-based): chr16:2,088,609, G>A. VCF-style: chr16-2088609-G-A. GRCh37 (hg19) VCF-style: chr16-2138610-G-A.
Other names: c.5423G>A (NM_000548.4); c.5222G>A, p.Ter1741= (NM_001077183.3); c.5354G>A, p.Ter1785= (NM_001114382.3); c.5114G>A, p.Ter1705= (NM_001318827.2); c.5078G>A, p.Ter1693= (NM_001318829.2); c.4691G>A, p.Ter1564= (NM_001318831.2); c.5255G>A, p.Ter1752= (NM_001318832.2); c.5225G>A, p.Ter1742= (NM_001363528.2); and 3 more.
Identifiers: ClinVar variation 766318 (VCV000766318.13), dbSNP rs762120606, ClinGen allele CA055372.